The following is an entry in ClinVar:

ClinVar aggregate classification (germline): Uncertain significance (1 of 4 stars; one submission).

Conditions:
Hereditary cancer-predisposing syndrome. Also called: Hereditary neoplastic syndrome; Neoplastic Syndromes, Hereditary; Tumor predisposition; Hereditary Cancer Syndrome. Identifiers: Orphanet 140162, MedGen C0027672, MeSH D009386, MONDO:0015356.

Allele frequency attached by ClinVar (database versions not stated): gnomAD exomes below 0.00001; TOPMed below 0.00001; gnomAD 0.00001.
gnomAD v4.1: 3 of 1,612,724 alleles (0.00019%); highest among the groups gnomAD compares: East Asian, 0.0022%; no homozygotes.

Submission:

Ambry Genetics
Classification: Uncertain significance for Hereditary cancer-predisposing syndrome. Last evaluated: 2024-10-11. Review status: criteria provided, single submitter. Criteria: Ambry Variant Classification Scheme 2023. Collection method: clinical testing. Allele origin: germline.
Comment: The p.T663I variant (also known as c.1988C>T), located in coding exon 13 of the RAD50 gene, results from a C to T substitution at nucleotide position 1988. The threonine at codon 663 is replaced by isoleucine, an amino acid with similar properties. This amino acid position is highly conserved in available vertebrate species. In addition, the in silico prediction for this alteration is inconclusive. Since supporting evidence is limited at this time, the clinical significance of this alteration remains unclear.

NM_005732.4(RAD50):c.1988C>T (p.Thr663Ile)

Gene: RAD50 (RAD50 double strand break repair protein; plus strand). Cytogenetic location: 5q31.1.
Variant type: single nucleotide variant.
Coding change: c.1988C>T on transcript NM_005732.4 (MANE Select); coding-DNA position 1988, C replaced by T.
Protein change: p.Thr663Ile; replaces threonine 663 with isoleucine.
Molecular consequence: missense variant.
Genome position (GRCh38, 1-based): chr5:132,595,591, C>T. VCF-style: chr5-132595591-C-T. GRCh37 (hg19) VCF-style: chr5-131931283-C-T.
Other names: short protein forms T663I.
Identifiers: ClinVar variation 184849 (VCV000184849.6), dbSNP rs786201735, ClinGen allele CA190238.
Genomic context (GRCh38, chr5:132,595,591, plus strand): 5'-GTTTTTTTCTCATTGGTGATATAATTTATTTTCTTAAAATAGCCATGCTGGCTGGAGCCA[C>T]AGCAGTTTACTCCCAGTTCATTACTCAGCTAACAGACGAAAACCAGTCATGTTGCCCCGT-3'
Protein context (NP_005723.2, residues 653-673): SKQRAMLAGA[Thr663Ile]AVYSQFITQL